The following is an entry in ClinVar:

NM_002734.5(PRKAR1A):c.1032C>G (p.Pro344=)

Gene: PRKAR1A (protein kinase cAMP-dependent type I regulatory subunit alpha; plus strand). Cytogenetic location: 17q24.2.
Variant type: single nucleotide variant.
Coding change: c.1032C>G on transcript NM_002734.5 (MANE Select); coding-DNA position 1032, C replaced by G.
Protein change: p.Pro344=; no amino-acid change (proline 344 retained).
Molecular consequence: synonymous variant. On other transcripts: intron variant (1).
Genome position (GRCh38, 1-based): chr17:68,530,335, C>G. VCF-style: chr17-68530335-C-G. GRCh37 (hg19) VCF-style: chr17-66526476-C-G.
Other names: c.1032C>G, p.Pro344= (NM_001276289.2, NM_001278433.2, NM_001369389.1 and 3 more transcripts); c.973+334C>G (NM_001276290.1).
Identifiers: ClinVar variation 4085784 (VCV004085784.8).

ClinVar aggregate classification (germline): Likely benign (1 of 4 stars; one submission).

Submission:

CeGaT Center for Human Genetics Tuebingen
Classification: Likely benign. Last evaluated: 2025-08-01. Review status: criteria provided, single submitter. Criteria: CeGaT Center For Human Genetics Tuebingen Variant Classification Criteria Version 2. Collection method: clinical testing. Allele origin: germline. Affected: yes. Observed: 1 variant allele.
Comment: PRKAR1A: PM2:Supporting, BP4, BP7